The following is an entry in ClinVar:

ClinVar aggregate classification (germline): Uncertain significance (1 of 4 stars; one submission).

Conditions:
Tay-Sachs disease (TSD). Also called: GM2 gangliosidosis, type 1; Hexosaminidase alpha-subunit deficiency (variant B); Sphingolipidosis, Tay-Sachs; Hexosaminidase A Deficiency; HEXA DEFICIENCY; HEXA Disorders. Identifiers: Orphanet 845, MedGen C0039373, MONDO:0010100, OMIM 272800.

Submission:

Labcorp Genetics (formerly Invitae), Labcorp
Classification: Uncertain significance for Tay-Sachs disease. Last evaluated: 2022-06-04. Review status: criteria provided, single submitter. Criteria: Invitae Variant Classification Sherloc (09022015). Collection method: clinical testing. Allele origin: germline.
Comment: This sequence change replaces tyrosine, which is neutral and polar, with cysteine, which is neutral and slightly polar, at codon 234 of the HEXA protein (p.Tyr234Cys). This variant is not present in population databases (gnomAD no frequency). This variant has not been reported in the literature in individuals affected with HEXA-related conditions. Algorithms developed to predict the effect of missense changes on protein structure and function (SIFT, PolyPhen-2, Align-GVGD) all suggest that this variant is likely to be disruptive. In summary, the available evidence is currently insufficient to determine the role of this variant in disease. Therefore, it has been classified as a Variant of Uncertain Significance.

NM_000520.6(HEXA):c.701A>G (p.Tyr234Cys)

Gene: HEXA (hexosaminidase subunit alpha; minus strand). Cytogenetic location: 15q23.
Variant type: single nucleotide variant.
Coding change: c.701A>G on transcript NM_000520.6 (MANE Select); coding-DNA position 701, A replaced by G.
Protein change: p.Tyr234Cys; replaces tyrosine 234 with cysteine.
Molecular consequence: missense variant. On other transcripts: non-coding transcript variant (1).
Genome position (GRCh38, 1-based): chr15:72,350,622, T>C on the plus strand (A>G on the coding strand, the complement: HEXA is on the minus strand). VCF-style: chr15-72350622-T-C. GRCh37 (hg19) VCF-style: chr15-72642963-T-C.
Other names: c.734A>G, p.Tyr245Cys (NM_001318825.2); short protein forms Y234C, Y245C.
Identifiers: ClinVar variation 2168993 (VCV002168993.1), dbSNP rs2542526663, ClinGen allele CA393063275.